The following is an entry in ClinVar:

NC_000011.9:g.(?_46318032)_(46761066_?)dup

Genes: AMBRA1 (autophagy and beclin 1 regulator 1; minus strand), ARHGAP1 (Rho GTPase activating protein 1; minus strand), ATG13 (autophagy related 13; plus strand), CHRM4 (cholinergic receptor muscarinic 4; minus strand), CREB3L1 (cAMP responsive element binding protein 3 like 1; plus strand) and 5 more. Cytogenetic location: 11p11.2.
Variant type: Duplication.
Identifiers: ClinVar variation 1448414 (VCV001448414.4).

ClinVar aggregate classification (germline): Uncertain significance (1 of 4 stars; one submission).

Submission:

Labcorp Genetics (formerly Invitae), Labcorp
Classification: Uncertain significance. Last evaluated: 2021-07-29. Review status: criteria provided, single submitter. Criteria: Invitae Variant Classification Sherloc (09022015). Collection method: clinical testing. Allele origin: germline.
Comment: In summary, the available evidence is currently insufficient to determine the role of this variant in disease. Therefore, it has been classified as a Variant of Uncertain Significance. This variant has not been reported in the literature in individuals affected with CREB3L1-related conditions. This variant results in a copy number gain of the genomic region encompassing exon(s) 2-12 of the CREB3L1 gene. The 5' boundary is likely confined to intron 1. The 3' end of this event is unknown as it extends beyond the assayed region for this gene and therefore may encompass additional genes. As the precise location of this event is unknown, it may be in tandem or it may be located elsewhere in the genome.